The following is an entry in ClinVar:

ClinVar aggregate classification (germline): Uncertain significance (1 of 4 stars; one submission).

Submission:

Labcorp Genetics (formerly Invitae), Labcorp
Classification: Uncertain significance. Last evaluated: 2025-06-15. Review status: criteria provided, single submitter. Criteria: Invitae Variant Classification Sherloc (09022015). Collection method: clinical testing. Allele origin: germline.
Comment: This sequence change replaces alanine, which is neutral and non-polar, with proline, which is neutral and non-polar, at codon 170 of the ALPK3 protein (p.Ala170Pro). This variant is not present in population databases (gnomAD no frequency). This variant has not been reported in the literature in individuals affected with ALPK3-related conditions. An algorithm developed to predict the effect of missense changes on protein structure and function (PolyPhen-2) suggests that this variant is likely to be tolerated. In summary, the available evidence is currently insufficient to determine the role of this variant in disease. Therefore, it has been classified as a Variant of Uncertain Significance.

NC_000015.10:g.84817354G>C

Gene: ALPK3 (alpha kinase 3; plus strand). Cytogenetic location: 15q25.3.
Variant type: single nucleotide variant.
Genome position: GRCh38 VCF-style: chr15-84817354-G-C. GRCh37 (hg19) VCF-style: chr15-85360585-G-C.
Identifiers: ClinVar variation 4721438 (VCV004721438.1).
Genomic context (GRCh38, chr15:84,817,354, plus strand): 5'-CAGCAGCAGGTGACGACGGCCCGGCCACCGGCTATAAATAGGGGCGCGCGTCAGCCGCGG[G>C]CGGGAGCGGCGGCGGCGGGCAGGGGCCCGGGGGCCGGGGCCTGGAGGACAGGCGAGGCAG-3'